The following is an entry in ClinVar:

ClinVar aggregate classification (germline): Likely benign (1 of 4 stars; one submission).

Allele frequency attached by ClinVar (database versions not stated): gnomAD 0.00010; 1000 Genomes Project 0.00020; gnomAD exomes 0.00020; TOPMed 0.00024; ExAC 0.00026; 1000 Genomes Project 30x 0.00031; ESP Exome Variant Server 0.00039.
gnomAD v4.1: 195 of 1,521,376 alleles (0.013%); highest among the groups gnomAD compares: Admixed American, 0.054%; 1 homozygote.

Submission:

GeneDx
Classification: Likely benign. Last evaluated: 2018-01-05. Review status: criteria provided, single submitter. Criteria: GeneDx Variant Classification (06012015). Collection method: clinical testing. Allele origin: germline. Affected: yes.
Comment: This variant is considered likely benign or benign based on one or more of the following criteria: it is a conservative change, it occurs at a poorly conserved position in the protein, it is predicted to be benign by multiple in silico algorithms, and/or has population frequency not consistent with disease.

NM_001258392.3(CLPB):c.-26A>T

Genes: CLPB (ClpB family mitochondrial disaggregase; minus strand), LOC130006336 (ATAC-STARR-seq lymphoblastoid active region 5191; plus strand). Cytogenetic location: 11q13.4.
Variant type: single nucleotide variant.
Coding change: c.-26A>T on transcript NM_001258392.3 (MANE Select); 26 bases upstream of the start codon, A replaced by T.
Molecular consequence: 5 prime UTR variant.
Genome position (GRCh38, 1-based): chr11:72,434,500, T>A on the plus strand (A>T on the coding strand, the complement: CLPB is on the minus strand). VCF-style: chr11-72434500-T-A. GRCh37 (hg19) VCF-style: chr11-72145544-T-A.
Other names: c.-26A>T (NM_001258393.3, NM_030813.6); c.-268A>T (NM_001258394.3).
Identifiers: ClinVar variation 517848 (VCV000517848.1), dbSNP rs201491171, ClinGen allele CA6171699.